The following is an entry in ClinVar:

NM_003470.3(USP7):c.973C>T (p.Arg325Cys)

Gene: USP7 (ubiquitin specific peptidase 7; minus strand). Cytogenetic location: 16p13.2.
Variant type: single nucleotide variant.
Coding change: c.973C>T on transcript NM_003470.3 (MANE Select); coding-DNA position 973, C replaced by T.
Protein change: p.Arg325Cys; replaces arginine 325 with cysteine.
Molecular consequence: missense variant. On other transcripts: non-coding transcript variant (1).
Genome position (GRCh38, 1-based): chr16:8,915,459, G>A on the plus strand (C>T on the coding strand, the complement: USP7 is on the minus strand). VCF-style: chr16-8915459-G-A. GRCh37 (hg19) VCF-style: chr16-9009316-G-A.
Other names: c.925C>T, p.Arg309Cys (NM_001286457.2); c.676C>T, p.Arg226Cys (NM_001286458.2); c.799C>T, p.Arg267Cys (NM_001321858.2); short protein forms R267C, R325C, R226C, R309C.
Identifiers: ClinVar variation 2770348 (VCV002770348.3), dbSNP rs765536244, ClinGen allele CA277527741.

ClinVar aggregate classification (germline): Uncertain significance (1 of 4 stars; one submission).

gnomAD v4.1: 4 of 1,613,376 alleles (0.00025%); highest among the groups gnomAD compares: Non-Finnish European, 0.00034%; no homozygotes.

Submission:

Labcorp Genetics (formerly Invitae), Labcorp
Classification: Uncertain significance. Last evaluated: 2023-10-20. Review status: criteria provided, single submitter. Criteria: Invitae Variant Classification Sherloc (09022015). Collection method: clinical testing. Allele origin: germline.
Comment: This sequence change replaces arginine, which is basic and polar, with cysteine, which is neutral and slightly polar, at codon 325 of the USP7 protein (p.Arg325Cys). The frequency data for this variant in the population databases is considered unreliable, as metrics indicate poor data quality at this position in the gnomAD database. This variant has not been reported in the literature in individuals affected with USP7-related conditions. An algorithm developed to predict the effect of missense changes on protein structure and function (PolyPhen-2) suggests that this variant is likely to be tolerated. In summary, the available evidence is currently insufficient to determine the role of this variant in disease. Therefore, it has been classified as a Variant of Uncertain Significance.